The following is an entry in ClinVar:

ClinVar aggregate classification (germline): Pathogenic (1 of 4 stars; one submission).

Conditions:
Axenfeld-Rieger syndrome type 3 (RIEG3). Also called: AXENFELD-RIEGER ANOMALY WITH CARDIAC DEFECTS AND/OR SENSORINEURAL HEARING LOSS. Identifiers: Orphanet 782, MedGen C2678503, MONDO:0011233, OMIM 602482.

Submission:

Labcorp Genetics (formerly Invitae), Labcorp
Classification: Pathogenic for Axenfeld-Rieger syndrome type 3. Last evaluated: 2023-08-27. Review status: criteria provided, single submitter. Criteria: Invitae Variant Classification Sherloc (09022015). Collection method: clinical testing. Allele origin: germline.
Comment: This sequence change creates a premature translational stop signal (p.Gly35Alafs*10) in the FOXC1 gene. While this is not anticipated to result in nonsense mediated decay, it is expected to disrupt the last 519 amino acid(s) of the FOXC1 protein. This variant is not present in population databases (gnomAD no frequency). This variant has not been reported in the literature in individuals affected with FOXC1-related conditions. This variant disrupts a region of the FOXC1 protein in which other variant(s) (p.Ser320Argfs*81) have been determined to be pathogenic (Invitae). This suggests that this is a clinically significant region of the protein, and that variants that disrupt it are likely to be disease-causing. For these reasons, this variant has been classified as Pathogenic.

NM_001453.3(FOXC1):c.104del (p.Gly35fs)

Gene: FOXC1 (forkhead box C1; plus strand). Cytogenetic location: 6p25.3.
Variant type: Deletion.
Coding change: c.104del on transcript NM_001453.3 (MANE Select); coding-DNA position 104, one base deleted (G; older notation c.104delG).
Protein change: p.Gly35fs; shifts the reading frame from glycine 35.
Molecular consequence: frameshift variant.
Genome position (GRCh38, 1-based): chr6:1,610,549, G deleted; the last of 5 consecutive G bases (chr6:1,610,545-1,610,549); deleting any one gives the same sequence. VCF-style (leftmost placement, unchanged base first): chr6-1610544-CG-C. GRCh37 (hg19) VCF-style: chr6-1610779-CG-C.
Other names: short protein forms G35fs.
Identifiers: ClinVar variation 2755662 (VCV002755662.3), dbSNP rs2480501444, ClinGen allele CA2578515741.
Genomic context (GRCh38, chr6:1,610,544, plus strand): 5'-GGGAGTGGTGCCCTACCTCGGCGGCGAGCAGAGCTACTACCGCGCGGCGGCCGCGGCGGC[CG>C]GGGGCGGCTACACCGCCATGCCGGCCCCCATGAGCGTGTACTCGCACCCTGCGCACGCCG-3'